The following is an entry in ClinVar:

NM_006158.5(NEFL):c.1265C>T (p.Ser422Phe)

Gene: NEFL (neurofilament light chain; minus strand). Cytogenetic location: 8p21.2.
Variant type: single nucleotide variant.
Coding change: c.1265C>T on transcript NM_006158.5 (MANE Select); coding-DNA position 1265, C replaced by T.
Protein change: p.Ser422Phe; replaces serine 422 with phenylalanine.
Molecular consequence: missense variant.
Genome position (GRCh38, 1-based): chr8:24,953,700, G>A on the plus strand (C>T on the coding strand, the complement: NEFL is on the minus strand). VCF-style: chr8-24953700-G-A. GRCh37 (hg19) VCF-style: chr8-24811214-G-A.
Other names: short protein forms S422F.
Identifiers: ClinVar variation 999721 (VCV000999721.7), dbSNP rs1803002899, ClinGen allele CA370620341.

ClinVar aggregate classification (germline): Uncertain significance. Review status: criteria provided, multiple submitters, no conflicts (2 of 4 stars). 2 submissions from 2 submitters: Uncertain significance (2). Last evaluated 2024-03-21.

Conditions:
Charcot-Marie-Tooth disease type 2E (CMT2E). Also called: CHARCOT-MARIE-TOOTH DISEASE, AXONAL, TYPE 2E; CHARCOT-MARIE-TOOTH NEUROPATHY, TYPE 2E. Identifiers: Orphanet 99939, MedGen C1843225, MONDO:0011894, OMIM 607684.

Allele frequency attached by ClinVar (database versions not stated): gnomAD exomes below 0.00001.
gnomAD v4.1: 1 of 1,614,018 alleles (0.000062%); highest among the groups gnomAD compares: Non-Finnish European, 0.000085%; no homozygotes.

Submissions (2):

Labcorp Genetics (formerly Invitae), Labcorp
Classification: Uncertain significance for Charcot-Marie-Tooth disease type 2E. Last evaluated: 2024-03-21. Review status: criteria provided, single submitter. Criteria: Invitae Variant Classification Sherloc (09022015). Collection method: clinical testing. Allele origin: germline.
Comment: This sequence change replaces serine, which is neutral and polar, with phenylalanine, which is neutral and non-polar, at codon 422 of the NEFL protein (p.Ser422Phe). This variant is not present in population databases (gnomAD no frequency). This variant has not been reported in the literature in individuals affected with NEFL-related conditions. ClinVar contains an entry for this variant (Variation ID: 999721). Advanced modeling of protein sequence and biophysical properties (such as structural, functional, and spatial information, amino acid conservation, physicochemical variation, residue mobility, and thermodynamic stability) has been performed at Invitae for this missense variant, however the output from this modeling did not meet the statistical confidence thresholds required to predict the impact of this variant on NEFL protein function. In summary, the available evidence is currently insufficient to determine the role of this variant in disease. Therefore, it has been classified as a Variant of Uncertain Significance.

GeneDx
Classification: Uncertain significance. Last evaluated: 2019-05-10. Review status: criteria provided, single submitter. Criteria: GeneDx Variant Classification Process June 2021. Collection method: clinical testing. Allele origin: germline. Affected: yes.
Comment: Not observed in large population cohorts (Lek et al., 2016); In silico analysis, which includes protein predictors and evolutionary conservation, supports that this variant does not alter protein structure/function; Has not been previously published as pathogenic or benign to our knowledge